The following is an entry in ClinVar:

ClinVar aggregate classification (germline): Benign/Likely benign. Review status: criteria provided, multiple submitters, no conflicts (2 of 4 stars). 4 submissions from 4 submitters: Benign (1); Likely benign (2). 1 of the submissions does not count toward it. Last evaluated 2025-12-22.

Conditions:
FBLN1-related disorder. Also called: FBLN1-related condition.

Allele frequency attached by ClinVar (database versions not stated): 1000 Genomes Project 30x 0.00203; 1000 Genomes Project 0.00220; gnomAD 0.00349 and 0.00355; gnomAD exomes 0.00359 and 0.00558; ExAC 0.00364; TOPMed 0.00366; ESP Exome Variant Server 0.00561.
gnomAD v4.1: 8,619 of 1,613,246 alleles (0.53%); highest among the groups gnomAD compares: Non-Finnish European, 0.66%; 30 homozygotes.

Submissions (4):

Labcorp Genetics (formerly Invitae), Labcorp
Classification: Benign. Last evaluated: 2025-12-22. Review status: criteria provided, single submitter. Criteria: Invitae Variant Classification Sherloc (09022015). Collection method: clinical testing. Allele origin: germline.

Blueprint Genetics
Classification: Likely benign. Last evaluated: 2024-11-22. Review status: criteria provided, single submitter. Criteria: ACMG Guidelines, 2015. Collection method: clinical testing. Allele origin: germline.

Eurofins Ntd Llc (ga)
Classification: Likely benign. Last evaluated: 2015-01-29. Review status: criteria provided, single submitter. Criteria: EGL Classification Definitions 2015. Collection method: clinical testing. Allele origin: germline. Observed: 1 variant allele, 1 heterozygote.

PreventionGenetics, part of Exact Sciences
Classification: Benign for FBLN1-related condition. Last evaluated: 2019-05-09. Review status: no assertion criteria provided. Collection method: clinical testing. Allele origin: germline. Not counted in ClinVar's aggregate classification.
Comment: This variant is classified as benign based on ACMG/AMP sequence variant interpretation guidelines (Richards et al. 2015 PMID: 25741868, with internal and published modifications).

NM_006486.3(FBLN1):c.1441+9G>A

Gene: FBLN1 (fibulin 1; plus strand). Cytogenetic location: 22q13.31.
Variant type: single nucleotide variant.
Coding change: c.1441+9G>A on transcript NM_006486.3 (MANE Select); 9 bases into the intron after coding-DNA position 1441, G replaced by A.
Molecular consequence: intron variant.
Genome position (GRCh38, 1-based): chr22:45,547,213, G>A. VCF-style: chr22-45547213-G-A. GRCh37 (hg19) VCF-style: chr22-45943093-G-A.
Other names: c.1441+9G>A (NM_006485.4, NM_001996.4, NM_006487.3).
Identifiers: ClinVar variation 194076 (VCV000194076.17), dbSNP rs142798380, ClinGen allele CA200956.